The following is an entry in ClinVar:

ClinVar aggregate classification (germline): Uncertain significance (1 of 4 stars; one submission).

Conditions:
PDE1C-related disorder. Also called: PDE1C-related condition.

Submission:

PreventionGenetics, part of Exact Sciences
Classification: Uncertain significance for PDE1C-related condition. Last evaluated: 2026-07-14. Review status: criteria provided, single submitter. Criteria: ACMG Guidelines, 2015. Collection method: clinical testing. Allele origin: germline.
Comment: The PDE1C c.307G>A variant is predicted to result in the amino acid substitution p.Ala103Thr. To our knowledge, this variant has not been reported in the literature or in a large population database (gnomAD), indicating this variant is rare. At this time, the clinical significance of this variant is uncertain due to the absence of conclusive functional and genetic evidence.

NM_001322059.2(PDE1C):c.307G>A (p.Ala103Thr)

Gene: PDE1C (phosphodiesterase 1C; minus strand). Cytogenetic location: 7p14.3.
Variant type: single nucleotide variant.
Coding change: c.307G>A on transcript NM_001322059.2; coding-DNA position 307, G replaced by A.
Protein change: p.Ala103Thr; replaces alanine 103 with threonine.
Molecular consequence: missense variant.
Genome position (GRCh38, 1-based): chr7:32,427,825, C>T on the plus strand (G>A on the coding strand, the complement: PDE1C is on the minus strand). VCF-style: chr7-32427825-C-T. GRCh37 (hg19) VCF-style: chr7-32467437-C-T.
Other names: short protein forms A103T.
Identifiers: ClinVar variation 4988474 (VCV004988474.1).